The following is an entry in ClinVar:

NM_004281.4(BAG3):c.418G>A (p.Gly140Ser)

Gene: BAG3 (BAG cochaperone 3; plus strand). Cytogenetic location: 10q26.11.
Variant type: single nucleotide variant.
Coding change: c.418G>A on transcript NM_004281.4 (MANE Select); coding-DNA position 418, G replaced by A.
Protein change: p.Gly140Ser; replaces glycine 140 with serine.
Molecular consequence: missense variant.
Genome position (GRCh38, 1-based): chr10:119,670,088, G>A. VCF-style: chr10-119670088-G-A. GRCh37 (hg19) VCF-style: chr10-121429600-G-A.
Other names: short protein forms G140S.
Identifiers: ClinVar variation 451747 (VCV000451747.55), dbSNP rs780169403, ClinGen allele CA5716316.

ClinVar aggregate classification (germline): Uncertain significance. Review status: criteria provided, multiple submitters, no conflicts (2 of 4 stars). 5 submissions from 5 submitters: Uncertain significance (5). Last evaluated 2025-12-16.

Conditions:
Cardiovascular phenotype. Identifiers: MedGen CN230736.
Myofibrillar myopathy 6. Identifiers: Orphanet 199340, MedGen C2751831, MONDO:0013061, OMIM 612954.
Dilated cardiomyopathy 1HH (CMD1HH). Identifiers: Orphanet 154, MedGen C3151293, MONDO:0013479, OMIM 613881.

Allele frequency attached by ClinVar (database versions not stated): ExAC 0.00001; gnomAD 0.00001; TOPMed 0.00001; gnomAD exomes 0.00002.

Submissions (5):

Labcorp Genetics (formerly Invitae), Labcorp
Classification: Uncertain significance for Dilated cardiomyopathy 1HH; Myofibrillar myopathy 6. Last evaluated: 2025-12-16. Review status: criteria provided, single submitter. Criteria: Invitae Variant Classification Sherloc (09022015). Collection method: clinical testing. Allele origin: germline.
Comment: This sequence change replaces glycine, which is neutral and non-polar, with serine, which is neutral and polar, at codon 140 of the BAG3 protein (p.Gly140Ser). This variant is present in population databases (rs780169403, gnomAD 0.003%). This variant has not been reported in the literature in individuals affected with BAG3-related conditions. ClinVar contains an entry for this variant (Variation ID: 451747). Invitae Evidence Modeling of protein sequence and biophysical properties (such as structural, functional, and spatial information, amino acid conservation, physicochemical variation, residue mobility, and thermodynamic stability) indicates that this missense variant is not expected to disrupt BAG3 protein function with a negative predictive value of 80%. In summary, the available evidence is currently insufficient to determine the role of this variant in disease. Therefore, it has been classified as a Variant of Uncertain Significance.

Molecular Diagnostic Laboratory for Inherited Cardiovascular Disease, Montreal Heart Institute
Classification: Uncertain significance for Cardiovascular phenotype. Last evaluated: 2025-04-09. Review status: criteria provided, single submitter. Criteria: ACMG Guidelines, 2015. Collection method: clinical testing. Allele origin: germline. Affected: yes.

Ambry Genetics
Classification: Uncertain significance for Cardiovascular phenotype. Last evaluated: 2025-03-23. Review status: criteria provided, single submitter. Criteria: Ambry Variant Classification Scheme 2023. Collection method: clinical testing. Allele origin: germline.
Comment: The p.G140S variant (also known as c.418G>A), located in coding exon 2 of the BAG3 gene, results from a G to A substitution at nucleotide position 418. The glycine at codon 140 is replaced by serine, an amino acid with similar properties. This amino acid position is conserved. In addition, this alteration is predicted to be tolerated by in silico analysis. Since supporting evidence is limited at this time, the clinical significance of this alteration remains unclear.

GeneDx
Classification: Uncertain significance. Last evaluated: 2023-10-24. Review status: criteria provided, single submitter. Criteria: GeneDx Variant Classification Process June 2021. Collection method: clinical testing. Allele origin: germline. Affected: yes.
Comment: Not observed at significant frequency in large population cohorts (gnomAD); In silico analysis supports that this missense variant has a deleterious effect on protein structure/function; Has not been previously published as pathogenic or benign to our knowledge

CeGaT Center for Human Genetics Tuebingen
Classification: Uncertain significance. Last evaluated: 2018-02-01. Review status: criteria provided, single submitter. Criteria: CeGaT Center For Human Genetics Tuebingen Variant Classification Criteria Version 2. Collection method: clinical testing. Allele origin: germline. Affected: yes. Observed: 1 variant allele.